The following is an entry in ClinVar:

ClinVar aggregate classification (germline): Conflicting classifications of pathogenicity. Review status: criteria provided, conflicting classifications (1 of 4 stars). 3 submissions from 3 submitters: Uncertain significance (2); Likely benign (1). Last evaluated 2024-07-30.

Conditions:
Nephrolithiasis/nephrocalcinosis. Identifiers: MedGen CN580796.
Familial hypocalciuric hypercalcemia 1. Also called: Hypercalcemia, familial benign type 1. Identifiers: Orphanet 405, Orphanet 93372, MedGen C0342637, MONDO:0007791, OMIM 145980.
Neonatal severe primary hyperparathyroidism. Identifiers: Orphanet 417, MedGen C1832615, MONDO:0009397, OMIM 239200.
Autosomal dominant hypocalcemia 1 (HYPOC1). Also called: HYPOCALCEMIA, FAMILIAL. Identifiers: MedGen C3715128, MONDO:0011013, OMIM 601198.
Epilepsy, idiopathic generalized, susceptibility to, 8. Identifiers: MedGen C2752062, MONDO:0013032, OMIM 612899.
Familial hypocalciuric hypercalcemia (FHH). Also called: Familial benign hypercalcemia. Identifiers: Orphanet 405, MedGen C1809471, MONDO:0018458.

Allele frequency attached by ClinVar (database versions not stated): gnomAD below 0.00001 and 0.00001; TOPMed below 0.00001; ExAC 0.00003; gnomAD exomes 0.00004 and 0.00006.
gnomAD v4.1: 56 of 1,613,970 alleles (0.0035%); highest among the groups gnomAD compares: South Asian, 0.059%; 1 homozygote.

Submissions (3):

Labcorp Genetics (formerly Invitae), Labcorp
Classification: Uncertain significance for Familial hypocalciuric hypercalcemia; Autosomal dominant hypocalcemia 1. Last evaluated: 2024-07-30. Review status: criteria provided, single submitter. Criteria: Invitae Variant Classification Sherloc (09022015). Collection method: clinical testing. Allele origin: germline.
Comment: This sequence change replaces isoleucine, which is neutral and non-polar, with valine, which is neutral and non-polar, at codon 686 of the CASR protein (p.Ile686Val). This variant is present in population databases (rs753013993, gnomAD 0.05%). This missense change has been observed in individual(s) with juvenile myoclonic epilepsy (PMID: 18756473). ClinVar contains an entry for this variant (Variation ID: 463918). An algorithm developed to predict the effect of missense changes on protein structure and function (PolyPhen-2) suggests that this variant is likely to be tolerated. In summary, the available evidence is currently insufficient to determine the role of this variant in disease. Therefore, it has been classified as a Variant of Uncertain Significance.

Fulgent Genetics
Classification: Uncertain significance for Familial hypocalciuric hypercalcemia 1; Neonatal severe primary hyperparathyroidism; Autosomal dominant hypocalcemia 1; Epilepsy, idiopathic generalized, susceptibility to, 8. Last evaluated: 2024-05-11. Review status: criteria provided, single submitter. Criteria: ACMG Guidelines, 2015. Collection method: clinical testing. Allele origin: germline.

Ambry Genetics
Classification: Likely benign for Nephrolithiasis/nephrocalcinosis. Last evaluated: 2023-09-02. Review status: criteria provided, single submitter. Criteria: Ambry Variant Classification Scheme 2023. Collection method: clinical testing. Allele origin: germline.

Literature cited by the submitters: PubMed 18756473 (cited by Labcorp Genetics (formerly Invitae), Labcorp and Ambry Genetics).

NM_000388.4(CASR):c.2056A>G (p.Ile686Val)

Gene: CASR (calcium sensing receptor; plus strand). Cytogenetic location: 3q21.1.
Variant type: single nucleotide variant.
Coding change: c.2056A>G on transcript NM_000388.4 (MANE Select); coding-DNA position 2056, A replaced by G.
Protein change: p.Ile686Val; replaces isoleucine 686 with valine.
Molecular consequence: missense variant.
Genome position (GRCh38, 1-based): chr3:122,284,010, A>G. VCF-style: chr3-122284010-A-G. GRCh37 (hg19) VCF-style: chr3-122002857-A-G.
Other names: c.2086A>G, p.Ile696Val (NM_001178065.2); short protein forms I686V, I696V.
Identifiers: ClinVar variation 463918 (VCV000463918.13), dbSNP rs753013993, ClinGen allele CA2569776.